The following is an entry in ClinVar:

NM_018838.5(NDUFA12):c.46G>C (p.Gly16Arg)

Gene: NDUFA12 (NADH:ubiquinone oxidoreductase subunit A12; minus strand). Cytogenetic location: 12q22.
Variant type: single nucleotide variant.
Coding change: c.46G>C on transcript NM_018838.5 (MANE Select); coding-DNA position 46, G replaced by C.
Protein change: p.Gly16Arg; replaces glycine 16 with arginine.
Molecular consequence: missense variant.
Genome position (GRCh38, 1-based): chr12:95,003,635, C>G on the plus strand (G>C on the coding strand, the complement: NDUFA12 is on the minus strand). VCF-style: chr12-95003635-C-G. GRCh37 (hg19) VCF-style: chr12-95397411-C-G.
Other names: c.46G>C, p.Gly16Arg (NM_001258338.2); short protein forms G16R.
Identifiers: ClinVar variation 1354410 (VCV001354410.6), dbSNP rs750729114, ClinGen allele CA6722656.

ClinVar aggregate classification (germline): Uncertain significance (1 of 4 stars; one submission).

Allele frequency attached by ClinVar (database versions not stated): gnomAD exomes below 0.00001; TOPMed below 0.00001; ExAC 0.00001.

Submission:

Labcorp Genetics (formerly Invitae), Labcorp
Classification: Uncertain significance. Last evaluated: 2021-11-30. Review status: criteria provided, single submitter. Criteria: Invitae Variant Classification Sherloc (09022015). Collection method: clinical testing. Allele origin: germline.
Comment: This sequence change replaces glycine, which is neutral and non-polar, with arginine, which is basic and polar, at codon 16 of the NDUFA12 protein (p.Gly16Arg). This variant is present in population databases (rs750729114, gnomAD 0.006%). This variant has not been reported in the literature in individuals affected with NDUFA12-related conditions. Algorithms developed to predict the effect of missense changes on protein structure and function are either unavailable or do not agree on the potential impact of this missense change (SIFT: "Tolerated"; PolyPhen-2: "Possibly Damaging"; Align-GVGD: "Class C0"). In summary, the available evidence is currently insufficient to determine the role of this variant in disease. Therefore, it has been classified as a Variant of Uncertain Significance.